The following is an entry in ClinVar:

NM_033427.3(CTTNBP2):c.4530_4533dup (p.Leu1512fs)

Gene: CTTNBP2 (cortactin binding protein 2; minus strand). Cytogenetic location: 7q31.31.
Variant type: Duplication.
Coding change: c.4530_4533dup on transcript NM_033427.3 (MANE Select); coding-DNA positions 4530 to 4533, 4 bases duplicated (ATCA; older notation c.4530_4533dupATCA).
Protein change: p.Leu1512fs; shifts the reading frame from leucine 1512.
Molecular consequence: frameshift variant.
Genome position (GRCh38, 1-based): chr7:117,719,615-117,719,618, TGAT duplicated on the plus strand (ATCA on the coding strand, the reverse complement: CTTNBP2 is on the minus strand). VCF-style (leftmost placement, unchanged base first): chr7-117719614-G-GTGAT. GRCh37 (hg19) VCF-style: chr7-117359668-G-GTGAT.
Other names: c.4476_4479dup, p.Leu1494fs (NM_001363349.1); c.2433_2436dup, p.Leu813fs (NM_001363350.1, NM_001363351.1); short protein forms L1494fs, L1512fs, L813fs.
Identifiers: ClinVar variation 2629453 (VCV002629453.1), dbSNP rs760285636, ClinGen allele CA4451866.

ClinVar aggregate classification (germline): Uncertain significance (1 of 4 stars; one submission).

Conditions:
CTTNBP2-related disorder. Also called: CTTNBP2-related condition.

Allele frequency attached by ClinVar (database versions not stated): gnomAD 0.00001.

Submission:

PreventionGenetics, part of Exact Sciences
Classification: Uncertain significance for CTTNBP2-related condition. Last evaluated: 2022-11-17. Review status: criteria provided, single submitter. Criteria: ACMG Guidelines, 2015. Collection method: clinical testing. Allele origin: germline.
Comment: The CTTNBP2 c.4530_4533dupATCA variant is predicted to result in a frameshift and premature protein termination (p.Leu1512Ilefs*16). To our knowledge, this variant has not been reported in the literature. Only one chain-terminating variant in this gene was previously reported 3' of this location, and that variant was inherited from a parent (unknown phenotype) of the proband (Guo et al. 2018. PubMed ID: 30564305). The c.4530_4533dup variant is reported in 0.0033% of alleles in individuals of South Asian descent in gnomAD. At this time, the clinical significance of this variant is uncertain due to the absence of conclusive functional and genetic evidence.